The following is an entry in ClinVar:

ClinVar aggregate classification (germline): Likely benign. Review status: criteria provided, multiple submitters, no conflicts (2 of 4 stars). 3 submissions from 3 submitters: Likely benign (3). Last evaluated 2025-11-24.

Conditions:
Arrhythmogenic right ventricular dysplasia 8 (ARVD8). Also called: Arrhythmogenic Right Ventricular Dysplasia/Cardiomyopathy 8; ARRHYTHMOGENIC RIGHT VENTRICULAR DYSPLASIA, FAMILIAL, 8; ARRHYTHMOGENIC RIGHT VENTRICULAR CARDIOMYOPATHY 8. Identifiers: MedGen C1843896, MONDO:0011831, OMIM 607450.
Arrhythmogenic cardiomyopathy with wooly hair and keratoderma. Also called: PALMOPLANTAR KERATODERMA WITH LEFT VENTRICULAR CARDIOMYOPATHY AND WOOLLY HAIR; Dilated cardiomyopathy with woolly hair and keratoderma; Arrhythmogenic cardiomyopathy with woolly hair and keratoderma; Carvajal syndrome. Identifiers: Orphanet 65282, MedGen C1854063, MONDO:0011581, OMIM 605676.
Cardiomyopathy (CMYO). Also called: Cardiomyopathies. Identifiers: Orphanet 167848, MedGen C0878544, MONDO:0004994, HP:0001638. Inheritance: Various modes of inheritance.

Allele frequency attached by ClinVar (database versions not stated): gnomAD exomes below 0.00001.
gnomAD v4.1: 2 of 1,614,168 alleles (0.00012%); highest among the groups gnomAD compares: Non-Finnish European, 0.00017%; no homozygotes.

Submissions (3):

Labcorp Genetics (formerly Invitae), Labcorp
Classification: Likely benign for Arrhythmogenic cardiomyopathy with wooly hair and keratoderma; Arrhythmogenic right ventricular dysplasia 8. Last evaluated: 2025-11-24. Review status: criteria provided, single submitter. Criteria: Invitae Variant Classification Sherloc (09022015). Collection method: clinical testing. Allele origin: germline.

All of Us Research Program, National Institutes of Health
Classification: Likely benign for Arrhythmogenic cardiomyopathy with wooly hair and keratoderma. Last evaluated: 2023-07-22. Review status: criteria provided, single submitter. Criteria: ACMG Guidelines, 2015. Collection method: clinical testing. Allele origin: germline. Inheritance: Autosomal dominant inheritance. Observed: 1 variant allele, 1 heterozygote.
Comment: This study involves interpretation of variants in research participants for the purpose of population health screening. Participant phenotype was not available at the time of variant classification. Additional details can be found in publication PMID: 35346344, PMCID: PMC8962531

Color Diagnostics, LLC DBA Color Health
Classification: Likely benign for Cardiomyopathy. Last evaluated: 2021-11-19. Review status: criteria provided, single submitter. Criteria: ACMG Guidelines, 2015. Collection method: clinical testing. Allele origin: germline.

NM_004415.4(DSP):c.7935C>T (p.Ile2645=)

Gene: DSP (desmoplakin; plus strand). Cytogenetic location: 6p24.3.
Variant type: single nucleotide variant.
Coding change: c.7935C>T on transcript NM_004415.4 (MANE Select); coding-DNA position 7935, C replaced by T.
Protein change: p.Ile2645=; no amino-acid change (isoleucine 2645 retained).
Molecular consequence: synonymous variant.
Genome position (GRCh38, 1-based): chr6:7,585,197, C>T. VCF-style: chr6-7585197-C-T. GRCh37 (hg19) VCF-style: chr6-7585430-C-T.
Other names: c.6138C>T, p.Ile2046= (NM_001008844.3); c.6606C>T, p.Ile2202= (NM_001319034.2).
Identifiers: ClinVar variation 2775370 (VCV002775370.5), dbSNP rs2533948722, ClinGen allele CA448716971.